The following is an entry in ClinVar:

ClinVar aggregate classification (germline): Likely pathogenic (1 of 4 stars; one submission).

Conditions:
Infantile onset spinocerebellar ataxia (MTDPS7). Also called: OHAHA SYNDROME; SPINOCEREBELLAR ATAXIA, INFANTILE, WITH SENSORY NEUROPATHY; Mitochondrial DNA depletion syndrome 7 (hepatocerebral type); OPHTHALMOPLEGIA, HYPOTONIA, ATAXIA, HYPOACUSIS, AND ATHETOSIS. Identifiers: Orphanet 1186, MedGen C1849096, MONDO:0010060, OMIM 271245.

gnomAD v4.1: 3 of 1,614,164 alleles (0.00019%); highest among the groups gnomAD compares: Non-Finnish European, 0.00017%; no homozygotes.

Submission:

Laboratory of Inherited Metabolic Diseases, Research centre for medical genetics
Classification: Likely pathogenic for Infantile onset spinocerebellar ataxia. Last evaluated: 2019-07-17. Review status: criteria provided, single submitter. Criteria: ACMG Guidelines, 2015. Collection method: clinical testing. Allele origin: germline. Inheritance: Autosomal recessive inheritance. Affected: yes.
Comment: found in compound heterozygous with c.1196A>G (p.N399S)

NM_021830.5(TWNK):c.1199G>T (p.Arg400Leu)

Gene: TWNK (twinkle mtDNA helicase; plus strand). Cytogenetic location: 10q24.31.
Variant type: single nucleotide variant.
Coding change: c.1199G>T on transcript NM_021830.5 (MANE Select); coding-DNA position 1199, G replaced by T.
Protein change: p.Arg400Leu; replaces arginine 400 with leucine.
Molecular consequence: missense variant. On other transcripts: non-coding transcript variant (4), intron variant (3).
Genome position (GRCh38, 1-based): chr10:100,989,409, G>T. VCF-style: chr10-100989409-G-T. GRCh37 (hg19) VCF-style: chr10-102749166-G-T.
Other names: c.1199G>T, p.Arg400Leu (NM_001163812.2); c.-119-235G>T (NM_001163814.2, NM_001163813.2); c.-57-297G>T (NM_001368275.1); short protein forms R400L.
Identifiers: ClinVar variation 694431 (VCV000694431.1), dbSNP rs781016340, ClinGen allele CA378210044.